The following is an entry in ClinVar:

ClinVar aggregate classification (germline): Likely benign. Review status: criteria provided, multiple submitters, no conflicts (2 of 4 stars). 2 submissions from 2 submitters: Likely benign (2). Last evaluated 2018-06-19.

Allele frequency attached by ClinVar (database versions not stated): gnomAD exomes 0.00075 and 0.00181; 1000 Genomes Project 0.00499; gnomAD 0.00631; 1000 Genomes Project 30x 0.00640; TOPMed 0.00689; ESP Exome Variant Server 0.00761.
gnomAD v4.1: 2,014 of 1,427,112 alleles (0.14%); highest among the groups gnomAD compares: African/African-American, 2.1%; 14 homozygotes.

Submissions (2):

GeneDx
Classification: Likely benign. Last evaluated: 2018-06-19. Review status: criteria provided, single submitter. Criteria: GeneDx Variant Classification (06012015). Collection method: clinical testing. Allele origin: germline. Affected: yes.
Comment: This variant is considered likely benign or benign based on one or more of the following criteria: it is a conservative change, it occurs at a poorly conserved position in the protein, it is predicted to be benign by multiple in silico algorithms, and/or has population frequency not consistent with disease.

Breakthrough Genomics
Classification: Likely benign. Review status: criteria provided, single submitter. Criteria: ACMG Guidelines, 2015. Collection method: not provided. Allele origin: germline. Inheritance: Autosomal recessive inheritance. Affected: yes.

NM_014141.6(CNTNAP2):c.98-41G>A

Gene: CNTNAP2 (contactin associated protein 2; plus strand). Cytogenetic location: 7q35.
Variant type: single nucleotide variant.
Coding change: c.98-41G>A on transcript NM_014141.6 (MANE Select); 41 bases into the intron before coding-DNA position 98, G replaced by A.
Molecular consequence: intron variant.
Genome position (GRCh38, 1-based): chr7:146,774,230, G>A. VCF-style: chr7-146774230-G-A. GRCh37 (hg19) VCF-style: chr7-146471322-G-A.
Identifiers: ClinVar variation 673527 (VCV000673527.2), dbSNP rs112724037, ClinGen allele CA4545692.
Genomic context (GRCh38, chr7:146,774,230, plus strand): 5'-AAAGACATATCAGATTCAATGATTTTTTAACCAACACATACCAATCGTTATTTCGAAATC[G>A]TTGTTGAGTGTCTCTCTCCCTCTCTGTCTTTTGTTTTCAGAAAAATGTGATGAGCCACTT-3'